The following is an entry in ClinVar:

NM_021072.4(HCN1):c.767T>C (p.Ile256Thr)

Gene: HCN1 (hyperpolarization activated cyclic nucleotide gated potassium channel 1; minus strand). Cytogenetic location: 5p12.
Variant type: single nucleotide variant.
Coding change: c.767T>C on transcript NM_021072.4 (MANE Select); coding-DNA position 767, T replaced by C.
Protein change: p.Ile256Thr; replaces isoleucine 256 with threonine.
Molecular consequence: missense variant.
Genome position (GRCh38, 1-based): chr5:45,645,267, A>G on the plus strand (T>C on the coding strand, the complement: HCN1 is on the minus strand). VCF-style: chr5-45645267-A-G. GRCh37 (hg19) VCF-style: chr5-45645369-A-G.
Other names: short protein forms I256T.
Identifiers: ClinVar variation 1760114 (VCV001760114.2), dbSNP rs2478543234, ClinGen allele CA359707158.

ClinVar aggregate classification (germline): Uncertain significance (1 of 4 stars; one submission).

Conditions:
Inborn genetic diseases. Identifiers: MedGen C0950123, MeSH D030342.

Submission:

Ambry Genetics
Classification: Uncertain significance for Inborn genetic diseases. Last evaluated: 2020-04-27. Review status: criteria provided, single submitter. Criteria: Ambry Variant Classification Scheme 2023. Collection method: clinical testing. Allele origin: germline.
Comment: The p.I256T variant (also known as c.767T>C), located in coding exon 2 of the HCN1 gene, results from a T to C substitution at nucleotide position 767. The isoleucine at codon 256 is replaced by threonine, an amino acid with similar properties. This amino acid position is highly conserved in available vertebrate species. In addition, this alteration is predicted to be deleterious by in silico analysis. Since supporting evidence is limited at this time, the clinical significance of this alteration remains unclear.